The following is an entry in ClinVar:

NM_001002295.2(GATA3):c.827G>A (p.Arg276Gln)

Gene: GATA3 (GATA binding protein 3; plus strand). Cytogenetic location: 10p14.
Variant type: single nucleotide variant.
Coding change: c.827G>A on transcript NM_001002295.2 (MANE Select); coding-DNA position 827, G replaced by A.
Protein change: p.Arg276Gln; replaces arginine 276 with glutamine.
Molecular consequence: missense variant.
Genome position (GRCh38, 1-based): chr10:8,064,041, G>A. VCF-style: chr10-8064041-G-A. GRCh37 (hg19) VCF-style: chr10-8106004-G-A.
Other names: c.824G>A, p.Arg275Gln (NM_002051.3); short protein forms R275Q, R276Q.
Identifiers: ClinVar variation 3384342 (VCV003384342.3).

ClinVar aggregate classification (germline): Pathogenic/Likely pathogenic. Review status: criteria provided, multiple submitters, no conflicts (2 of 4 stars). 3 submissions from 3 submitters: Pathogenic (2); Likely pathogenic (1). Last evaluated 2026-05-11.

Conditions:
GATA3-related disorder. Also called: GATA3-related condition.
Hypoparathyroidism, deafness, renal disease syndrome (HDRS). Also called: HYPOPARATHYROIDISM, SENSORINEURAL DEAFNESS, AND RENAL DYSPLASIA SYNDROME. Identifiers: Orphanet 2237, MedGen C1840333, MONDO:0007797, OMIM 146255.

Submissions (3):

Victorian Clinical Genetics Services, Murdoch Childrens Research Institute
Classification: Pathogenic for Hypoparathyroidism, deafness, renal disease syndrome. Last evaluated: 2026-05-11. Review status: criteria provided, single submitter. Criteria: ACMG Guidelines, 2015. Collection method: clinical testing. Allele origin: germline.
Comment: This variant is classified as Pathogenic. Evidence in support of pathogenic classification: Variant is absent from gnomAD (v2, v3 and v4); This variant has strong previous evidence of pathogenicity in unrelated individuals. This variant has been classified once as pathogenic by a clinical laboratory in ClinVar. Additionally, it has been reported in at least three individuals with Barakat syndrome (also known as HDR syndrome - hypoparathyroidism, sensorineural deafness and renal abnormalities). Two cases had confirmed de novo inheritance (PMID: 26777049, PMID: 29398643, Zaikova et al. (2023)); Other missense variant(s) comparable to the one identified in this case have moderate previous evidence for pathogenicity. p.(Arg276Pro) has been reported in an individual with HDR syndrome, where the variant was de novo in the mildly affected mother (PMID: 15705923). p.(Arg276Trp) and p.(Arg276Leu) have been classified once each as likely pathogenic and VUS, respectively, by clinical laboratories in ClinVar; Missense variant predicted to be damaging by in silico tool(s) or highly conserved with a major amino acid change. Additional information: Variant is predicted to result in a missense amino acid change from Arg to Gln; This variant is heterozygous; This gene is associated with autosomal dominant disease; Variant is located in the annotated WRR peptide within the GATA zinc finger domain (DECIPHER, PMID: 14985365); Loss of function is a known mechanism of disease in this gene and is associated with hypoparathyroidism, sensorineural deafness, and renal dysplasia (MIM#146255). In addition, dominant negative has been proven for a single missense variant (PMID: 21120445); Variants in this gene are known to have variable expressivity. Both interfamilial and intrafamilial variability have been reported (OMIM); Inheritance information for this variant is not currently available in this individual.

GeneDx
Classification: Pathogenic. Last evaluated: 2024-06-07. Review status: criteria provided, single submitter. Criteria: GeneDx Variant Classification Process June 2021. Collection method: clinical testing. Allele origin: germline. Affected: yes.
Comment: Not observed at significant frequency in large population cohorts (gnomAD); In silico analysis supports that this missense variant has a deleterious effect on protein structure/function; This variant is associated with the following publications: (PMID: 31660939, 35385357, 26777049, 14985365)

Blueprint Genetics
Classification: Likely pathogenic for GATA3-related disorders. Last evaluated: 2024-01-12. Review status: criteria provided, single submitter. Criteria: ACMG Guidelines, 2015. Collection method: clinical testing. Allele origin: germline. Affected: yes. Observed: 2 variant alleles.

Literature cited by the submitters: PubMed 14985365 (cited by Victorian Clinical Genetics Services, Murdoch Childrens Research Institute); PubMed 21120445 (cited by Victorian Clinical Genetics Services, Murdoch Childrens Research Institute); PubMed 26777049 (cited by Victorian Clinical Genetics Services, Murdoch Childrens Research Institute); PubMed 29398643 (cited by Victorian Clinical Genetics Services, Murdoch Childrens Research Institute); PubMed 15705923 (cited by Victorian Clinical Genetics Services, Murdoch Childrens Research Institute).